The following is an entry in ClinVar:

ClinVar aggregate classification (germline): Likely benign. Review status: criteria provided, single submitter (1 of 4 stars). 2 submissions from 2 submitters: Likely benign (1). 1 of the submissions does not count toward it. Last evaluated 2026-01-06.

Conditions:
ARIH1-related disorder. Also called: ARIH1-related condition.

Allele frequency attached by ClinVar (database versions not stated): ExAC 0.00007; gnomAD exomes 0.00008 and 0.00034; gnomAD 0.00082 and 0.00086; TOPMed 0.00085.
gnomAD v4.1: 240 of 1,602,444 alleles (0.015%); highest among the groups gnomAD compares: Admixed American, 0.39%; 1 homozygote.

Submissions (2):

Labcorp Genetics (formerly Invitae), Labcorp
Classification: Likely benign. Last evaluated: 2026-01-06. Review status: criteria provided, single submitter. Criteria: Invitae Variant Classification Sherloc (09022015). Collection method: clinical testing. Allele origin: germline.

PreventionGenetics, part of Exact Sciences
Classification: Likely benign for ARIH1-related condition. Last evaluated: 2020-01-27. Review status: no assertion criteria provided. Collection method: clinical testing. Allele origin: germline. Not counted in ClinVar's aggregate classification.
Comment: This variant is classified as likely benign based on ACMG/AMP sequence variant interpretation guidelines (Richards et al. 2015 PMID: 25741868, with internal and published modifications).

NM_005744.5(ARIH1):c.681+6G>A

Gene: ARIH1 (ariadne RBR E3 ubiquitin protein ligase 1; plus strand). Cytogenetic location: 15q24.1.
Variant type: single nucleotide variant.
Coding change: c.681+6G>A on transcript NM_005744.5 (MANE Select); 6 bases into the intron after coding-DNA position 681, G replaced by A.
Molecular consequence: intron variant.
Genome position (GRCh38, 1-based): chr15:72,555,369, G>A. VCF-style: chr15-72555369-G-A. GRCh37 (hg19) VCF-style: chr15-72847710-G-A.
Other names: c.681+6G>A (NM_005744.3).
Identifiers: ClinVar variation 1655231 (VCV001655231.10), dbSNP rs767461436, ClinGen allele CA7645543.